The following is an entry in ClinVar:

NM_002386.4(MC1R):c.37T>G (p.Ser13Ala)

Gene: MC1R (melanocortin 1 receptor; plus strand). Cytogenetic location: 16q24.3.
Variant type: single nucleotide variant.
Coding change: c.37T>G on transcript NM_002386.4 (MANE Select); coding-DNA position 37, T replaced by G.
Protein change: p.Ser13Ala; replaces serine 13 with alanine.
Molecular consequence: missense variant.
Genome position (GRCh38, 1-based): chr16:89,919,295, T>G. VCF-style: chr16-89919295-T-G. GRCh37 (hg19) VCF-style: chr16-89985703-T-G.
Other names: short protein forms S13A.
Identifiers: ClinVar variation 5024067 (VCV005024067.1).

ClinVar aggregate classification (germline): Uncertain significance (1 of 4 stars; one submission).

Submission:

Ambry Genetics
Classification: Uncertain significance. Last evaluated: 2026-07-07. Review status: criteria provided, single submitter. Criteria: Ambry Variant Classification Scheme 2023. Collection method: clinical testing. Allele origin: germline.
Comment: The p.S13A variant (also known as c.37T>G), located in coding exon 1 of the MC1R gene, results from a T to G substitution at nucleotide position 37. The serine at codon 13 is replaced by alanine, an amino acid with similar properties. This amino acid position is conserved. In addition, this alteration is predicted to be tolerated by in silico analysis. Based on the available evidence, the clinical significance of this variant remains unclear.